The following is an entry in ClinVar:

ClinVar aggregate classification (germline): Uncertain significance (1 of 4 stars; one submission).

gnomAD v4.1: 1 of 1,550,288 alleles (0.000065%); no homozygotes.

Submission:

Labcorp Genetics (formerly Invitae), Labcorp
Classification: Uncertain significance. Last evaluated: 2025-12-26. Review status: criteria provided, single submitter. Criteria: Invitae Variant Classification Sherloc (09022015). Collection method: clinical testing. Allele origin: germline.
Comment: This sequence change replaces proline, which is neutral and non-polar, with leucine, which is neutral and non-polar, at codon 824 of the ZNF469 protein (p.Pro824Leu). This variant is not present in population databases (gnomAD no frequency). This variant has not been reported in the literature in individuals affected with ZNF469-related conditions. ClinVar contains an entry for this variant (Variation ID: 1362268). An algorithm developed to predict the effect of missense changes on protein structure and function (PolyPhen-2) suggests that this variant is likely to be disruptive. In summary, the available evidence is currently insufficient to determine the role of this variant in disease. Therefore, it has been classified as a Variant of Uncertain Significance.

NM_001367624.2(ZNF469):c.2471C>T (p.Pro824Leu)

Gene: ZNF469 (zinc finger protein 469; plus strand). Cytogenetic location: 16q24.2.
Variant type: single nucleotide variant.
Coding change: c.2471C>T on transcript NM_001367624.2 (MANE Select); coding-DNA position 2471, C replaced by T.
Protein change: p.Pro824Leu; replaces proline 824 with leucine.
Molecular consequence: missense variant.
Genome position (GRCh38, 1-based): chr16:88,429,941, C>T. VCF-style: chr16-88429941-C-T. GRCh37 (hg19) VCF-style: chr16-88496349-C-T.
Other names: short protein forms P824L.
Identifiers: ClinVar variation 1362268 (VCV001362268.6), dbSNP rs920772556, ClinGen allele CA397072333.